The following is an entry in ClinVar:

NM_001903.5(CTNNA1):c.450A>C (p.Leu150Phe)

Gene: CTNNA1 (catenin alpha 1; plus strand). Cytogenetic location: 5q31.2.
Variant type: single nucleotide variant.
Coding change: c.450A>C on transcript NM_001903.5 (MANE Select); coding-DNA position 450, A replaced by C.
Protein change: p.Leu150Phe; replaces leucine 150 with phenylalanine.
Molecular consequence: missense variant.
Genome position (GRCh38, 1-based): chr5:138,810,186, A>C. VCF-style: chr5-138810186-A-C. GRCh37 (hg19) VCF-style: chr5-138145875-A-C.
Other names: c.450A>C, p.Leu150Phe (NM_001290307.3, NM_001323982.2, NM_001323983.1 and 3 more transcripts); c.141A>C, p.Leu47Phe (NM_001290309.3); c.81A>C, p.Leu27Phe (NM_001290310.3); c.450A>C (NM_001903.2); short protein forms L47F, L150F, L27F.
Identifiers: ClinVar variation 2846125 (VCV002846125.4), dbSNP rs2532331246, ClinGen allele CA361123662.
Genomic context (GRCh38, chr5:138,810,186, plus strand): 5'-TTTGCTCTCTGCTGTTACCCGGTTGCTGATTTTGGCTGACATGGCAGATGTCTACAAATT[A>C]CTTGTTCAGCTGAAAGTTGTAAGTATACAGGCCTATGTCTGTAATTTGTTCTATCACAGG-3'
Protein context (NP_001894.2, residues 140-160): ILADMADVYK[Leu150Phe]LVQLKVVEDG

ClinVar aggregate classification (germline): Uncertain significance. Review status: criteria provided, multiple submitters, no conflicts (2 of 4 stars). 2 submissions from 2 submitters: Uncertain significance (2). Last evaluated 2025-02-22.

Conditions:
Hereditary cancer-predisposing syndrome. Also called: Neoplastic Syndromes, Hereditary; Hereditary Cancer Syndrome; Hereditary neoplastic syndrome; Tumor predisposition. Identifiers: Orphanet 140162, MedGen C0027672, MeSH D009386, MONDO:0015356.

Submissions (2):

Ambry Genetics
Classification: Uncertain significance for Hereditary cancer-predisposing syndrome. Last evaluated: 2025-02-22. Review status: criteria provided, single submitter. Criteria: Ambry Variant Classification Scheme 2023. Collection method: clinical testing. Allele origin: germline.
Comment: The p.L150F variant (also known as c.450A>C), located in coding exon 3 of the CTNNA1 gene, results from an A to C substitution at nucleotide position 450. The leucine at codon 150 is replaced by phenylalanine, an amino acid with highly similar properties. This amino acid position is conserved. In addition, the in silico prediction for this alteration is inconclusive. Based on the available evidence, the clinical significance of this variant remains unclear.

Labcorp Genetics (formerly Invitae), Labcorp
Classification: Uncertain significance. Last evaluated: 2023-03-16. Review status: criteria provided, single submitter. Criteria: Invitae Variant Classification Sherloc (09022015). Collection method: clinical testing. Allele origin: germline.
Comment: In summary, the available evidence is currently insufficient to determine the role of this variant in disease. Therefore, it has been classified as a Variant of Uncertain Significance. Advanced modeling of protein sequence and biophysical properties (such as structural, functional, and spatial information, amino acid conservation, physicochemical variation, residue mobility, and thermodynamic stability) performed at Invitae indicates that this missense variant is expected to disrupt CTNNA1 protein function. This variant has not been reported in the literature in individuals affected with CTNNA1-related conditions. This variant is not present in population databases (gnomAD no frequency). This sequence change replaces leucine, which is neutral and non-polar, with phenylalanine, which is neutral and non-polar, at codon 150 of the CTNNA1 protein (p.Leu150Phe).